The following is an entry in ClinVar:

ClinVar aggregate classification (germline): Uncertain significance (1 of 4 stars; one submission).

Conditions:
Imerslund-Grasbeck syndrome. Also called: ENTEROCYTE COBALAMIN MALABSORPTION; ENTEROCYTE INTRINSIC FACTOR RECEPTOR, DEFECT OF; PERNICIOUS ANEMIA, JUVENILE, DUE TO SELECTIVE INTESTINAL MALABSORPTION OF VITAMIN B12, WITH PROTEINURIA; Megaloblastic anemia due to inborn errors of metabolism; Imerslund-Gräsbeck syndrome. Identifiers: Orphanet 35858, MedGen C4551825, MONDO:0009853.

Allele frequency attached by ClinVar (database versions not stated): gnomAD exomes below 0.00001.
gnomAD v4.1: 2 of 1,614,208 alleles (0.00012%); highest among the groups gnomAD compares: African/African-American, 0.0013%; no homozygotes.

Submission:

Labcorp Genetics (formerly Invitae), Labcorp
Classification: Uncertain significance for Imerslund-Grasbeck syndrome. Last evaluated: 2022-05-22. Review status: criteria provided, single submitter. Criteria: Invitae Variant Classification Sherloc (09022015). Collection method: clinical testing. Allele origin: germline.
Comment: In summary, the available evidence is currently insufficient to determine the role of this variant in disease. Therefore, it has been classified as a Variant of Uncertain Significance. Algorithms developed to predict the effect of missense changes on protein structure and function (SIFT, PolyPhen-2, Align-GVGD) all suggest that this variant is likely to be tolerated. This variant has not been reported in the literature in individuals affected with CUBN-related conditions. This variant is not present in population databases (gnomAD no frequency). This sequence change replaces methionine, which is neutral and non-polar, with threonine, which is neutral and polar, at codon 3062 of the CUBN protein (p.Met3062Thr).

NM_001081.4(CUBN):c.9185T>C (p.Met3062Thr)

Gene: CUBN (cubilin; minus strand). Cytogenetic location: 10p13.
Variant type: single nucleotide variant.
Coding change: c.9185T>C on transcript NM_001081.4 (MANE Select); coding-DNA position 9185, T replaced by C.
Protein change: p.Met3062Thr; replaces methionine 3062 with threonine.
Molecular consequence: missense variant.
Genome position (GRCh38, 1-based): chr10:16,874,425, A>G on the plus strand (T>C on the coding strand, the complement: CUBN is on the minus strand). VCF-style: chr10-16874425-A-G. GRCh37 (hg19) VCF-style: chr10-16916424-A-G.
Other names: short protein forms M3062T.
Identifiers: ClinVar variation 1920472 (VCV001920472.5), dbSNP rs1840444316, ClinGen allele CA376130048.